The following is an entry in ClinVar:

ClinVar aggregate classification (germline): Uncertain significance (1 of 4 stars; one submission).

Conditions:
Cardiovascular phenotype. Identifiers: MedGen CN230736.

Submission:

Ambry Genetics
Classification: Uncertain significance for Cardiovascular phenotype. Last evaluated: 2025-08-06. Review status: criteria provided, single submitter. Criteria: Ambry Variant Classification Scheme 2023. Collection method: clinical testing. Allele origin: germline.
Comment: The p.F46I variant (also known as c.136T>A), located in coding exon 2 of the LIPA gene, results from a T to A substitution at nucleotide position 136. The phenylalanine at codon 46 is replaced by isoleucine, an amino acid with highly similar properties. This amino acid position is conserved. In addition, the in silico prediction for this alteration is inconclusive. Based on the available evidence, the clinical significance of this variant remains unclear.

NM_000235.4(LIPA):c.136T>A (p.Phe46Ile)

Gene: LIPA (lipase A, lysosomal acid type; minus strand). Cytogenetic location: 10q23.31.
Variant type: single nucleotide variant.
Coding change: c.136T>A on transcript NM_000235.4 (MANE Select); coding-DNA position 136, T replaced by A.
Protein change: p.Phe46Ile; replaces phenylalanine 46 with isoleucine.
Molecular consequence: missense variant. On other transcripts: intron variant (2).
Genome position (GRCh38, 1-based): chr10:89,245,769, A>T on the plus strand (T>A on the coding strand, the complement: LIPA is on the minus strand). VCF-style: chr10-89245769-A-T. GRCh37 (hg19) VCF-style: chr10-91005526-A-T.
Other names: c.136T>A, p.Phe46Ile (NM_001127605.3, NM_001440818.1, NM_001440819.1 and 17 more transcripts); c.268T>A, p.Phe90Ile (NM_001440836.1); c.151T>A, p.Phe51Ile (NM_001440838.1); c.62-17371T>A (NM_001440839.1); c.-120+5968T>A (NM_001288979.2); short protein forms F90I, F51I, F46I.
Identifiers: ClinVar variation 4098207 (VCV004098207.1).
Genomic context (GRCh38, chr10:89,245,769, plus strand): 5'-TTCGGTTAAGGCACAGAATATATCCATCTTCTGTCTCAACTAGGTATTCCTCACTAGGGA[A>T]TCCCCAGTAAGAGATAATTTCACTCTGTAGAGAAAAAGGACGATGGAAATTGGGTGGACA-3'
Protein context (NP_000226.2, residues 36-56): NVSEIISYWG[Phe46Ile]PSEEYLVETE